The following is an entry in ClinVar:

ClinVar aggregate classification (germline): Likely benign (1 of 4 stars; one submission).

Conditions:
CRYBA2-related disorder. Also called: CRYBA2-related condition.

gnomAD v4.1: 8 of 1,607,332 alleles (0.0005%); highest among the groups gnomAD compares: Admixed American, 0.013%; no homozygotes.

Submission:

PreventionGenetics, part of Exact Sciences
Classification: Likely benign for CRYBA2-related condition. Last evaluated: 2026-06-07. Review status: criteria provided, single submitter. Criteria: ACMG Guidelines, 2015. Collection method: clinical testing. Allele origin: germline.
Comment: This variant is classified as likely benign based on ACMG/AMP sequence variant interpretation guidelines (Richards et al. 2015 PMID: 25741868, with internal and published modifications).

NM_057093.2(CRYBA2):c.138C>G (p.Arg46=)

Gene: CRYBA2 (crystallin beta A2; minus strand). Cytogenetic location: 2q35.
Variant type: single nucleotide variant.
Coding change: c.138C>G on transcript NM_057093.2 (MANE Select); coding-DNA position 138, C replaced by G.
Protein change: p.Arg46=; no amino-acid change (arginine 46 retained).
Molecular consequence: synonymous variant.
Genome position (GRCh38, 1-based): chr2:218,993,039, G>C on the plus strand (C>G on the coding strand, the complement: CRYBA2 is on the minus strand). VCF-style: chr2-218993039-G-C. GRCh37 (hg19) VCF-style: chr2-219857761-G-C.
Other names: c.138C>G, p.Arg46= (NM_057094.2).
Identifiers: ClinVar variation 4992577 (VCV004992577.1).